The following is an entry in ClinVar:

NM_007294.4(BRCA1):c.5040del (p.Thr1681fs)

Gene: BRCA1 (BRCA1 DNA repair associated; minus strand). Cytogenetic location: 17q21.31.
Variant type: Deletion.
Coding change: c.5040del on transcript NM_007294.4 (MANE Select); coding-DNA position 5040, one base deleted (T; older notation c.5040delT).
Protein change: p.Thr1681fs; shifts the reading frame from threonine 1681.
Molecular consequence: frameshift variant. On other transcripts: non-coding transcript variant (1).
Genome position (GRCh38, 1-based): chr17:43,067,642, A deleted on the plus strand (T on the coding strand, the reverse complement: BRCA1 is on the minus strand); the first of 2 consecutive A bases (chr17:43,067,642-43,067,643); deleting either gives the same sequence. VCF-style (leftmost placement, unchanged base first): chr17-43067641-TA-T. GRCh37 (hg19) VCF-style: chr17-41219658-TA-T.
Other names: 5159delT; c.5040delT (NM_007294.3); c.4826delT, p.Thr1610Leufs (NM_001407571.1, NM_001407894.1, NM_001407895.1 and 12 more transcripts); c.5105delT, p.Thr1703Leufs (NM_001407581.1, NM_001407582.1); c.5102delT, p.Thr1702Leufs (NM_001407583.1, NM_001407585.1, NM_001407587.1); c.5099delT, p.Thr1701Leufs (NM_001407590.1, NM_001407591.1); c.5039delT, p.Thr1681Leufs (NM_001407593.1, NM_001407594.1, NM_001407596.1 and 8 more transcripts); c.5036delT, p.Thr1680Leufs (NM_001407610.1, NM_001407611.1, NM_001407612.1 and 17 more transcripts); and 75 more; short protein forms T1681fs, T1702fs, T1634fs, T577fs.
Identifiers: ClinVar variation 55360 (VCV000055360.4), dbSNP rs80357673, ClinGen allele CA003168.

ClinVar aggregate classification (germline): Pathogenic. Review status: reviewed by expert panel (3 of 4 stars). 2 submissions from 2 submitters: Pathogenic (1). 1 of the submissions does not count toward it. Last evaluated 2016-09-08.

Conditions:
Breast-ovarian cancer, familial, susceptibility to, 1 (BROVCA1). Also called: BRCA1 Hereditary Breast and Ovarian Cancer; OVARIAN CANCER, SUSCEPTIBILITY TO. Identifiers: Orphanet 145, MedGen C2676676, MONDO:0011450, OMIM 604370. Disease mechanism: loss of function.

Submissions (2):

Evidence-based Network for the Interpretation of Germline Mutant Alleles (ENIGMA)
Classification: Pathogenic for Breast-ovarian cancer, familial, susceptibility to, 1. Last evaluated: 2016-09-08. Review status: reviewed by expert panel. Criteria: ENIGMA BRCA1/2 Classification Criteria (2015). Collection method: curation. Allele origin: germline.
Comment: Variant allele predicted to encode a truncated non-functional protein.

Breast Cancer Information Core (BIC) (BRCA1)
Classification: Pathogenic for Breast-ovarian cancer, familial 1. Last evaluated: 1999-12-30. Review status: no assertion criteria provided. Collection method: clinical testing. Allele origin: germline. Affected: yes. Observed: 1 variant allele. Not counted in ClinVar's aggregate classification.